The following is an entry in ClinVar:

NM_000053.4(ATP7B):c.1803del (p.Ser602fs)

Gene: ATP7B (ATPase copper transporting beta; minus strand). Cytogenetic location: 13q14.3.
Variant type: Deletion.
Coding change: c.1803del on transcript NM_000053.4 (MANE Select); coding-DNA position 1803, one base deleted (C; older notation c.1803delC).
Protein change: p.Ser602fs; shifts the reading frame from serine 602.
Molecular consequence: frameshift variant. On other transcripts: intron variant (3).
Genome position (GRCh38, 1-based): chr13:51,964,938, G deleted on the plus strand (C on the coding strand, the reverse complement: ATP7B is on the minus strand); the first of 2 consecutive G bases (chr13:51,964,938-51,964,939); deleting either gives the same sequence. VCF-style (leftmost placement, unchanged base first): chr13-51964937-TG-T. GRCh37 (hg19) VCF-style: chr13-52539073-TG-T.
Other names: c.1770del, p.Ser591fs (NM_001406514.1, NM_001406524.1); c.1803del, p.Ser602fs (NM_001406515.1, NM_001406516.1, NM_001406519.1 and 24 more transcripts); c.1707del, p.Ser570fs (NM_001406517.1, NM_001406518.1, NM_001406530.1 and 3 more transcripts); c.1470del, p.Ser491fs (NM_001243182.2); c.1374del, p.Ser459fs (NM_001406539.1); c.1285+8997del (NM_001406548.1); c.1707+3506del (NM_001406547.1, NM_001406545.1); short protein forms S459fs, S491fs, S570fs, S591fs, S602fs.
Identifiers: ClinVar variation 2679812 (VCV002679812.4), dbSNP rs2547752969, ClinGen allele CA2695199745.

ClinVar aggregate classification (germline): Pathogenic/Likely pathogenic. Review status: criteria provided, multiple submitters, no conflicts (2 of 4 stars). 3 submissions from 3 submitters: Pathogenic (1); Likely pathogenic (1). 1 of the submissions does not count toward it. Last evaluated 2023-03-26.

Conditions:
Wilson disease (WND). Also called: Wilson's disease. Identifiers: Orphanet 905, MedGen C0019202, MONDO:0010200, OMIM 277900. Disease mechanism: loss of function.

Submissions (3):

Baylor Genetics
Classification: Pathogenic for Wilson disease. Last evaluated: 2023-03-26. Review status: criteria provided, single submitter. Criteria: ACMG Guidelines, 2015. Collection method: clinical testing. Allele origin: unknown.

Juno Genomics, Hangzhou Juno Genomics, Inc
Classification: Likely pathogenic for Wilson disease. Review status: criteria provided, single submitter. Criteria: ACMG Guidelines, 2015. Collection method: clinical testing. Allele origin: germline.
Comment: Null variant in a gene where loss of function (LOF) is a known mechanism of disease.;Absent from controls (or at extremely low frequency if recessive) in Genome Aggregation Database.

Department of Reproductive Genetics, International Peace Maternity and Child Health Hospital, Shanghai Jiao Tong University School of Medicine
Classification: Pathogenic for Wilson disease. Last evaluated: 2025-05-01. Review status: no assertion criteria provided. Collection method: clinical testing. Allele origin: inherited. Affected: yes. Not counted in ClinVar's aggregate classification.
Comment: The NM_000053.4(ATP7B):c.1803delC variant causes a frameshift (p.Ser602AlafsTer46) leading to a premature termination codon. It was absent from the gnomAD database. This variant was reported as Pathogenic in ClinVar (ID: 2679812).